The following is an entry in ClinVar:

NM_012330.4(KAT6B):c.6211_6217delinsTC (p.Met2071fs)

Gene: KAT6B (lysine acetyltransferase 6B; plus strand). Cytogenetic location: 10q22.2.
Variant type: Indel.
Coding change: c.6211_6217delinsTC on transcript NM_012330.4 (MANE Select); coding-DNA positions 6211 to 6217, ATGAGAA replaced by TC.
Protein change: p.Met2071fs; shifts the reading frame from methionine 2071.
Molecular consequence: frameshift variant.
Genome position (GRCh38, 1-based): chr10:75,031,035-75,031,041, ATGAGAA replaced by TC. VCF-style: chr10-75031035-ATGAGAA-TC. GRCh37 (hg19) VCF-style: chr10-76790793-ATGAGAA-TC.
Other names: c.5662_5668delinsTC, p.Met1888fs (NM_001256468.2, NM_001370138.1); c.5335_5341delinsTC, p.Met1779fs (NM_001256469.2, NM_001370139.1, NM_001370140.1 and 2 more transcripts); c.5173_5179delinsTC, p.Met1725fs (NM_001370132.1); c.4522_4528delinsTC, p.Met1508fs (NM_001370133.1); c.4126_4132delinsTC, p.Met1376fs (NM_001370134.1); c.3868_3874delinsTC, p.Met1290fs (NM_001370135.1); c.6211_6217delinsTC, p.Met2071fs (NM_001370136.1, NM_001370137.1); c.5146_5152delinsTC, p.Met1716fs (NM_001370143.1, NM_001370144.1); short protein forms M1290fs, M1376fs, M1508fs, M1716fs, M1725fs, M1779fs, M1888fs, M2071fs.
Identifiers: ClinVar variation 5036996 (VCV005036996.1).

ClinVar aggregate classification (germline): Uncertain significance (1 of 4 stars; one submission).

Submission:

GeneDx
Classification: Uncertain significance. Last evaluated: 2026-04-14. Review status: criteria provided, single submitter. Criteria: GeneDx Variant Classification Process June 2021. Collection method: clinical testing. Allele origin: germline.
Comment: Not observed at significant frequency in large population cohorts (gnomAD); Frameshift variant predicted to result in abnormal protein length as the last 3 amino acid(s) are replaced with 137 different amino acid(s); Has not been previously published as pathogenic or benign to our knowledge